The following is an entry in ClinVar:

ClinVar aggregate classification (germline): Likely benign. Review status: criteria provided, single submitter (1 of 4 stars). 2 submissions from 2 submitters: Likely benign (1). 1 of the submissions does not count toward it. Last evaluated 2024-08-01.

Conditions:
GABRG2-related disorder. Also called: GABRG2-related condition.

Allele frequency attached by ClinVar (database versions not stated): gnomAD exomes 0.00005; gnomAD 0.00006; TOPMed 0.00008.
gnomAD v4.1: 24 of 449,814 alleles (0.0053%); highest among the groups gnomAD compares: Non-Finnish European, 0.0098%; no homozygotes.

Submissions (2):

CeGaT Center for Human Genetics Tuebingen
Classification: Likely benign. Last evaluated: 2024-08-01. Review status: criteria provided, single submitter. Criteria: CeGaT Center For Human Genetics Tuebingen Variant Classification Criteria Version 2. Collection method: clinical testing. Allele origin: germline. Affected: yes. Observed: 1 variant allele.
Comment: GABRG2: BP4, BP7

PreventionGenetics, part of Exact Sciences
Classification: Likely benign for GABRG2-related condition. Last evaluated: 2023-08-10. Review status: no assertion criteria provided. Collection method: clinical testing. Allele origin: germline. Not counted in ClinVar's aggregate classification.
Comment: This variant is classified as likely benign based on ACMG/AMP sequence variant interpretation guidelines (Richards et al. 2015 PMID: 25741868, with internal and published modifications).

NM_198904.4(GABRG2):c.632-1223G>T

Gene: GABRG2 (gamma-aminobutyric acid type A receptor subunit gamma2; plus strand). Cytogenetic location: 5q34.
Variant type: single nucleotide variant.
Coding change: c.632-1223G>T on transcript NM_198904.4 (MANE Select); 1223 bases into the intron before coding-DNA position 632, G replaced by T.
Molecular consequence: intron variant. On other transcripts: synonymous variant (2).
Genome position (GRCh38, 1-based): chr5:162,102,666, G>T. VCF-style: chr5-162102666-G-T. GRCh37 (hg19) VCF-style: chr5-161529672-G-T.
Other names: c.744G>T, p.Gly248= (NM_001375343.1, NM_198903.2); c.347-1223G>T (NM_001375349.1); c.632-1223G>T (NM_001375344.1, NM_001375340.1, NM_001375341.1 and 2 more transcripts); c.212-1223G>T (NM_001375350.1, NM_001375348.1); c.623-1223G>T (NM_001375339.1); c.566-1223G>T (NM_001375346.1, NM_001375345.1); c.545-1223G>T (NM_001375347.1).
Identifiers: ClinVar variation 3036376 (VCV003036376.17), dbSNP rs760385319, ClinGen allele CA131112214.